The following is an entry in ClinVar:

NM_000038.6(APC):c.835-1827G>C

Gene: APC (APC regulator of WNT signaling pathway; plus strand). Cytogenetic location: 5q22.2.
Variant type: single nucleotide variant.
Coding change: c.835-1827G>C on transcript NM_000038.6 (MANE Select); 1827 bases into the intron before coding-DNA position 835, G replaced by C.
Molecular consequence: intron variant.
Genome position (GRCh38, 1-based): chr5:112,813,668, G>C. VCF-style: chr5-112813668-G-C. GRCh37 (hg19) VCF-style: chr5-112149365-G-C.
Other names: c.835-1827G>C (NM_001354895.2, NM_001127510.3, NM_001354896.2 and 1 more transcripts); c.865-1827G>C (NM_001354897.2, NM_001354902.2); c.781-1827G>C (NM_001127511.3); c.760-1827G>C (NM_001354898.2, NM_001354904.2); c.-15-1827G>C (NM_001354906.2); c.751-1827G>C (NM_001354899.2); c.658-1827G>C (NM_001354900.2, NM_001354901.2, NM_001354905.2).
Identifiers: ClinVar variation 82550 (VCV000082550.2), dbSNP rs79039159, ClinGen allele CA015120.
Genomic context (GRCh38, chr5:112,813,668, plus strand): 5'-GGAAGAAAAGTTTCTAATACGTCACCATAGCTGGGCTCATTGGCTCGTGCCTGTAGTCCC[G>C]GCTACTCTGGAGGCTGAGGTGAGAGGATCACTTGAGCCAAAGAATTCAGAGCCAGCCTGG-3'

ClinVar aggregate classification (germline): other (0 of 4 stars; one submission).

Conditions:
Familial colorectal cancer. Identifiers: MedGen CN280943, MONDO:0023113. Disease mechanism: loss of function.

Submission:

Systems Biology Platform Zhejiang California International NanoSystems Institute
Classification: other for Familial colorectal cancer. Review status: no assertion criteria provided. Collection method: not provided. Allele origin: unknown.
ClinVar note: Converted during submission from cancer to other.